The following is an entry in ClinVar:

ClinVar aggregate classification (germline): Uncertain significance (1 of 4 stars; one submission).

Allele frequency attached by ClinVar (database versions not stated): gnomAD exomes below 0.00001.

Submission:

Labcorp Genetics (formerly Invitae), Labcorp
Classification: Uncertain significance. Last evaluated: 2021-10-22. Review status: criteria provided, single submitter. Criteria: Invitae Variant Classification Sherloc (09022015). Collection method: clinical testing. Allele origin: germline.
Comment: Algorithms developed to predict the effect of missense changes on protein structure and function (SIFT, PolyPhen-2, Align-GVGD) all suggest that this variant is likely to be tolerated. In summary, the available evidence is currently insufficient to determine the role of this variant in disease. Therefore, it has been classified as a Variant of Uncertain Significance. This variant has not been reported in the literature in individuals affected with GPR179-related conditions. This variant is not present in population databases (ExAC no frequency). This sequence change replaces serine with tyrosine at codon 350 of the GPR179 protein (p.Ser350Tyr). The serine residue is weakly conserved and there is a large physicochemical difference between serine and tyrosine.

NM_001004334.4(GPR179):c.1049C>A (p.Ser350Tyr)

Gene: GPR179 (G protein-coupled receptor 179; minus strand). Cytogenetic location: 17q12.
Variant type: single nucleotide variant.
Coding change: c.1049C>A on transcript NM_001004334.4 (MANE Select); coding-DNA position 1049, C replaced by A.
Protein change: p.Ser350Tyr; replaces serine 350 with tyrosine.
Molecular consequence: missense variant.
Genome position (GRCh38, 1-based): chr17:38,337,156, G>T on the plus strand (C>A on the coding strand, the complement: GPR179 is on the minus strand). VCF-style: chr17-38337156-G-T. GRCh37 (hg19) VCF-style: chr17-36493039-G-T.
Other names: short protein forms S350Y.
Identifiers: ClinVar variation 1498662 (VCV001498662.6), dbSNP rs2144273136, ClinGen allele CA398887887.